The following is an entry in ClinVar:

NM_001395413.1(POR):c.991G>A (p.Val331Ile)

Genes: POR (cytochrome p450 oxidoreductase; plus strand), LOC126860075 (CDK7 strongly-dependent group 2 enhancer GRCh37_chr7:75612087-75613286; plus strand). Cytogenetic location: 7q11.23.
Variant type: single nucleotide variant.
Coding change: c.991G>A on transcript NM_001395413.1 (MANE Select); coding-DNA position 991, G replaced by A.
Protein change: p.Val331Ile; replaces valine 331 with isoleucine.
Molecular consequence: missense variant.
Genome position (GRCh38, 1-based): chr7:75,983,790, G>A. VCF-style: chr7-75983790-G-A. GRCh37 (hg19) VCF-style: chr7-75613108-G-A.
Other names: c.991G>A, p.Val331Ile (NM_001367562.3, NM_001382657.2, NM_001382658.3 and 2 more transcripts); c.1045G>A, p.Val349Ile (NM_001382655.3); short protein forms V331I, V349I.
Identifiers: ClinVar variation 910411 (VCV000910411.16), dbSNP rs562241770, ClinGen allele CA4303939.

ClinVar aggregate classification (germline): Conflicting classifications of pathogenicity. Review status: criteria provided, conflicting classifications (1 of 4 stars). 4 submissions from 4 submitters: Uncertain significance (1); Benign (1); Likely benign (1). 1 of the submissions does not count toward it. Last evaluated 2026-01-28.

Conditions:
Congenital adrenal hyperplasia due to cytochrome P450 oxidoreductase deficiency. Also called: DISORDERED STEROIDOGENESIS DUE TO POR DEFICIENCY. Identifiers: Orphanet 95699, MedGen C1860042, MONDO:0013310, OMIM 613571.
POR-related disorder. Also called: POR-related condition.

Allele frequency attached by ClinVar (database versions not stated): gnomAD 0.00006 and 0.00031; TOPMed 0.00013; 1000 Genomes Project 30x 0.00094; 1000 Genomes Project 0.00100; ExAC 0.00110.
gnomAD v4.1: 659 of 1,612,360 alleles (0.041%); highest among the groups gnomAD compares: South Asian, 0.64%; 9 homozygotes.

Submissions (4):

Labcorp Genetics (formerly Invitae), Labcorp
Classification: Benign for Congenital adrenal hyperplasia due to cytochrome P450 oxidoreductase deficiency. Last evaluated: 2026-01-28. Review status: criteria provided, single submitter. Criteria: Invitae Variant Classification Sherloc (09022015). Collection method: clinical testing. Allele origin: germline.

GeneDx
Classification: Likely benign. Last evaluated: 2020-06-19. Review status: criteria provided, single submitter. Criteria: GeneDx Variant Classification Process June 2021. Collection method: clinical testing. Allele origin: germline. Affected: yes.
Comment: See Variant Classification Assertion Criteria.

Illumina Laboratory Services, Illumina
Classification: Uncertain significance for Congenital adrenal hyperplasia due to cytochrome P450 oxidoreductase deficiency. Last evaluated: 2017-04-27. Review status: criteria provided, single submitter. Criteria: ICSL Variant Classification Criteria 13 December 2019. Collection method: clinical testing. Allele origin: germline.

PreventionGenetics, part of Exact Sciences
Classification: Likely benign for POR-related condition. Last evaluated: 2020-04-08. Review status: no assertion criteria provided. Collection method: clinical testing. Allele origin: germline. Not counted in ClinVar's aggregate classification.
Comment: This variant is classified as likely benign based on ACMG/AMP sequence variant interpretation guidelines (Richards et al. 2015 PMID: 25741868, with internal and published modifications).